The following is an entry in ClinVar:

ClinVar aggregate classification (germline): Likely benign. Review status: criteria provided, multiple submitters, no conflicts (2 of 4 stars). 2 submissions from 2 submitters: Likely benign (2). Last evaluated 2025-05-17.

Conditions:
Episodic ataxia type 2 (EA2). Also called: ATAXIA, EPISODIC, WITH NYSTAGMUS; ATAXIA, FAMILIAL PAROXYSMAL; CEREBELLAR ATAXIA, PAROXYSMAL, ACETAZOLAMIDE-RESPONSIVE; CEREBELLOPATHY, HEREDITARY PAROXYSMAL; ACETAZOLAMIDE-RESPONSIVE HEREDITARY PAROXYSMAL CEREBELLAR ATAXIA; EPISODIC ATAXIA, NYSTAGMUS-ASSOCIATED. Identifiers: Orphanet 97, MedGen C1720416, MONDO:0007163, OMIM 108500.
Developmental and epileptic encephalopathy, 42 (DEE42A). Also called: DEVELOPMENTAL AND EPILEPTIC ENCEPHALOPATHY 42A; EPILEPTIC ENCEPHALOPATHY, EARLY INFANTILE, 42A; Epileptic encephalopathy, early infantile, 42. Identifiers: MedGen C4310716, MONDO:0014917, OMIM 617106.

Submissions (2):

Labcorp Genetics (formerly Invitae), Labcorp
Classification: Likely benign for Developmental and epileptic encephalopathy, 42; Episodic ataxia type 2. Last evaluated: 2025-05-17. Review status: criteria provided, single submitter. Criteria: Invitae Variant Classification Sherloc (09022015). Collection method: clinical testing. Allele origin: germline.

GeneDx
Classification: Likely benign. Last evaluated: 2016-10-24. Review status: criteria provided, single submitter. Criteria: GeneDx Variant Classification (06012015). Collection method: clinical testing. Allele origin: germline. Affected: yes.
Comment: This variant is considered likely benign or benign based on one or more of the following criteria: it is a conservative change, it occurs at a poorly conserved position in the protein, it is predicted to be benign by multiple in silico algorithms, and/or has population frequency not consistent with disease.

NM_001127222.2(CACNA1A):c.1987-16C>A

Gene: CACNA1A (calcium voltage-gated channel subunit alpha1 A; minus strand). Cytogenetic location: 19p13.13.
Variant type: single nucleotide variant.
Coding change: c.1987-16C>A on transcript NM_001127222.2 (MANE Select); 16 bases into the intron before coding-DNA position 1987, C replaced by A.
Molecular consequence: intron variant.
Genome position (GRCh38, 1-based): chr19:13,303,900, G>T on the plus strand (C>A on the coding strand, the complement: CACNA1A is on the minus strand). VCF-style: chr19-13303900-G-T. GRCh37 (hg19) VCF-style: chr19-13414714-G-T.
Other names: c.1990-16C>A (NM_001127221.2, NM_001174080.2, NM_000068.4 and 1 more transcripts).
Identifiers: ClinVar variation 390226 (VCV000390226.6), dbSNP rs1057523685, ClinGen allele CA16608173.
Genomic context (GRCh38, chr19:13,303,900, plus strand): 5'-GATCCCGTCGTACATGACCTCGTTCCAGTCTTCGCCCGTCAGGATCTGAAAGGGGAGGAA[G>T]AAACACACAGCCAACCCCCCTCTCAGCCACGGGCCCCTTGGAGATGCAGCTGTGGAGCCG-3'